The following is an entry in ClinVar:

ClinVar aggregate classification (germline): Likely benign (0 of 4 stars; one submission).

Conditions:
PCNT-related disorder. Also called: PCNT-related condition.

Allele frequency attached by ClinVar (database versions not stated): gnomAD 0.00001; TOPMed 0.00001; gnomAD exomes below 0.00001.
gnomAD v4.1: 6 of 1,614,124 alleles (0.00037%); highest among the groups gnomAD compares: African/African-American, 0.0013%; no homozygotes.

Submission:

PreventionGenetics, part of Exact Sciences
Classification: Likely benign for PCNT-related condition. Last evaluated: 2022-12-09. Review status: no assertion criteria provided. Collection method: clinical testing. Allele origin: germline.
Comment: This variant is classified as likely benign based on ACMG/AMP sequence variant interpretation guidelines (Richards et al. 2015 PMID: 25741868, with internal and published modifications).

NM_006031.6(PCNT):c.108A>G (p.Lys36=)

Genes: PCNT (pericentrin; plus strand), LOC128092249 (uncharacterized LOC128092249; plus strand). Cytogenetic location: 21q22.3.
Variant type: single nucleotide variant.
Coding change: c.108A>G on transcript NM_006031.6 (MANE Select); coding-DNA position 108, A replaced by G.
Protein change: p.Lys36=; no amino-acid change (lysine 36 retained).
Molecular consequence: synonymous variant. On other transcripts: missense variant (1), 5 prime UTR variant (1).
Genome position (GRCh38, 1-based): chr21:46,326,430, A>G. VCF-style: chr21-46326430-A-G. GRCh37 (hg19) VCF-style: chr21-47746344-A-G.
Other names: c.143A>G, p.Lys48Arg (NM_001414902.1); c.-247A>G (NM_001315529.2); short protein forms K48R.
Identifiers: ClinVar variation 3047156 (VCV003047156.2), dbSNP rs1222415236, ClinGen allele CA512744675.